The following is an entry in ClinVar:

NM_001184.4(ATR):c.4568A>T (p.Lys1523Ile)

Gene: ATR (ATR checkpoint kinase; minus strand). Cytogenetic location: 3q23.
Variant type: single nucleotide variant.
Coding change: c.4568A>T on transcript NM_001184.4 (MANE Select); coding-DNA position 4568, A replaced by T.
Protein change: p.Lys1523Ile; replaces lysine 1523 with isoleucine.
Molecular consequence: missense variant.
Genome position (GRCh38, 1-based): chr3:142,513,574, T>A on the plus strand (A>T on the coding strand, the complement: ATR is on the minus strand). VCF-style: chr3-142513574-T-A. GRCh37 (hg19) VCF-style: chr3-142232416-T-A.
Other names: c.4376A>T, p.Lys1459Ile (NM_001354579.2); short protein forms K1523I, K1459I.
Identifiers: ClinVar variation 1741521 (VCV001741521.2), dbSNP rs2473223733, ClinGen allele CA354796945.
Genomic context (GRCh38, chr3:142,513,574, plus strand): 5'-TCTTGATTACAACCCAGTAAGACATACACCAGAATATGTGGAAGAAGATAGATGGTCACT[T>A]TGAAATCATGCTTCATCATAATGCTACAGCAGGTGAAAATTTTACTGGCAAGATCATGTC-3'
Protein context (NP_001175.2, residues 1513-1533): CCSIMMKHDF[Lys1523Ile]VTIYLLPHIL

ClinVar aggregate classification (germline): Uncertain significance (1 of 4 stars; one submission).

Conditions:
Inborn genetic diseases. Identifiers: MedGen C0950123, MeSH D030342.

Submission:

Ambry Genetics
Classification: Uncertain significance for Inborn genetic diseases. Last evaluated: 2021-12-22. Review status: criteria provided, single submitter. Criteria: Ambry Variant Classification Scheme 2023. Collection method: clinical testing. Allele origin: germline.
Comment: The p.K1523I variant (also known as c.4568A>T), located in coding exon 26 of the ATR gene, results from an A to T substitution at nucleotide position 4568. The lysine at codon 1523 is replaced by isoleucine, an amino acid with dissimilar properties. This amino acid position is conserved. In addition, the in silico prediction for this alteration is inconclusive. Since supporting evidence is limited at this time, the clinical significance of this alteration remains unclear.